The following is an entry in ClinVar:

ClinVar aggregate classification (germline): Uncertain significance. Review status: criteria provided, multiple submitters, no conflicts (2 of 4 stars). 4 submissions from 4 submitters: Uncertain significance (3). 1 of the submissions does not count toward it. Last evaluated 2024-12-26.

Conditions:
RP1L1-related disorder. Also called: RP1L1-related condition.
Inborn genetic diseases. Identifiers: MedGen C0950123, MeSH D030342.
Retinal dystrophy. Also called: Inherited retinal dystrophy. Identifiers: Orphanet 71862, MedGen C0854723, MeSH D058499, MONDO:0019118, HP:0000556.

gnomAD v4.1: 56 of 1,613,470 alleles (0.0035%); highest among the groups gnomAD compares: Non-Finnish European, 0.0044%; no homozygotes.

Submissions (4):

PreventionGenetics, part of Exact Sciences
Classification: Uncertain significance for RP1L1-related condition. Last evaluated: 2024-12-26. Review status: criteria provided, single submitter. Criteria: ACMG Guidelines, 2015. Collection method: clinical testing. Allele origin: germline.
Comment: The RP1L1 c.1049C>A variant is predicted to result in the amino acid substitution p.Thr350Lys. To our knowledge, this variant has not been reported in the literature. This variant is reported in 0.0063% of alleles in individuals of European (Non-Finnish) descent in gnomAD. At this time, the clinical significance of this variant is uncertain due to the absence of conclusive functional and genetic evidence.

Ambry Genetics
Classification: Uncertain significance for Inborn genetic diseases. Last evaluated: 2024-11-25. Review status: criteria provided, single submitter. Criteria: Ambry Variant Classification Scheme 2023. Collection method: clinical testing. Allele origin: germline.

Blueprint Genetics
Classification: Uncertain significance. Last evaluated: 2023-06-05. Review status: criteria provided, single submitter. Criteria: ACMG Guidelines, 2015. Collection method: clinical testing. Allele origin: germline.

Institute of Human Genetics, Univ. Regensburg, Univ. Regensburg
Classification: Uncertain significance for Retinal dystrophy. Last evaluated: 2022-01-01. Review status: no assertion criteria provided. Criteria: ACMG Guidelines, 2015. Collection method: clinical testing. Allele origin: germline. Affected: yes. Not counted in ClinVar's aggregate classification.

NM_178857.6(RP1L1):c.1049C>A (p.Thr350Lys)

Gene: RP1L1 (RP1 like 1). Cytogenetic location: 8p23.1.
Variant type: single nucleotide variant.
Coding change: c.1049C>A on transcript NM_178857.6 (MANE Select); coding-DNA position 1049, C replaced by A.
Protein change: p.Thr350Lys; replaces threonine 350 with lysine.
Molecular consequence: missense variant.
Genome position (GRCh38, 1-based): chr8:10,613,049, G>T on the plus strand (C>A on the coding strand, the complement: RP1L1 is on the minus strand). VCF-style: chr8-10613049-G-T. GRCh37 (hg19) VCF-style: chr8-10470559-G-T.
Other names: c.1049C>A (NM_178857.5); short protein forms T350K.
Identifiers: ClinVar variation 3249431 (VCV003249431.4).
Genomic context (GRCh38, chr8:10,613,049, plus strand): 5'-TCCCACACACAGCAGAGGGGGTCTACCTCCCCCAGAACGGGGTCTTCCCCACTGGCTGCC[G>T]TGAGGGCGCTGGCCCTGCCCATCCTCCGGGACCATAGGAGCGTGTCCTCGCCGACCAGGT-3'
Protein context (NP_849188.4, residues 340-360): SRRMGRASAL[Thr350Lys]AASGEDPVLG